The following is an entry in ClinVar:

NC_000015.10:g.84816883C>T

Gene: ALPK3 (alpha kinase 3; plus strand). Cytogenetic location: 15q25.3.
Variant type: single nucleotide variant.
Genome position: GRCh38 VCF-style: chr15-84816883-C-T. GRCh37 (hg19) VCF-style: chr15-85360114-C-T.
Identifiers: ClinVar variation 2818742 (VCV002818742.3), dbSNP rs776990543, ClinGen allele CA7708773.
Genomic context (GRCh38, chr15:84,816,883, plus strand): 5'-GCCTCCCAGGGACTCAGGTCACTAATGGAGGTGGCTTGGCTTGTCTATGTGCTGGGCCAA[C>T]AGCCACTGGCGAGGCAAGGCGAGGGTCAGTCACGGCTGGTGCCAGGAAGAGGGCTGGTTC-3'

ClinVar aggregate classification (germline): Uncertain significance (1 of 4 stars; one submission).

Allele frequency attached by ClinVar (database versions not stated): gnomAD 0.00001.

Submission:

Labcorp Genetics (formerly Invitae), Labcorp
Classification: Uncertain significance. Last evaluated: 2026-01-14. Review status: criteria provided, single submitter. Criteria: Invitae Variant Classification Sherloc (09022015). Collection method: clinical testing. Allele origin: germline.
Comment: This sequence change creates a premature translational stop signal (p.Gln13*) in the ALPK3 gene. It is unclear whether it will result in an absent or disrupted protein product because an in-frame methionine located at codon 203 has the potential to rescue this truncating variant. The frequency data for this variant in the population databases is considered unreliable, as metrics indicate poor data quality at this position in the gnomAD database. This variant has not been reported in the literature in individuals affected with ALPK3-related conditions. ClinVar contains an entry for this variant (Variation ID: 2818742). In summary, the available evidence is currently insufficient to determine the role of this variant in disease. Therefore, it has been classified as a Variant of Uncertain Significance.